The following is an entry in ClinVar:

NM_177438.3(DICER1):c.*1550G>A

Gene: DICER1 (dicer 1, ribonuclease III; minus strand). Cytogenetic location: 14q32.13.
Variant type: single nucleotide variant.
Coding change: c.*1550G>A on transcript NM_177438.3 (MANE Select); 1550 bases downstream of the stop codon, G replaced by A.
Molecular consequence: 3 prime UTR variant.
Genome position (GRCh38, 1-based): chr14:95,088,948, C>T on the plus strand (G>A on the coding strand, the complement: DICER1 is on the minus strand). VCF-style: chr14-95088948-C-T. GRCh37 (hg19) VCF-style: chr14-95555285-C-T.
Other names: c.*1666G>A (NM_001195573.1); c.*1550G>A (NM_001271282.3, NM_001291628.2, NM_030621.4).
Identifiers: ClinVar variation 884955 (VCV000884955.5), dbSNP rs193038010, ClinGen allele CA265893692.
Genomic context (GRCh38, chr14:95,088,948, plus strand): 5'-CATGTGCTGGGAAATATGAGACACCTCTGCTCAGCTTTCTTAAACTTCAAGCATAATTAA[C>T]GGGGCAAATTGCAGCAAACCTCTACTGGTATGTTGATGGGAGTGCAAGACTGACCCACAG-3'

ClinVar aggregate classification (germline): Benign (1 of 4 stars; one submission).

Conditions:
DICER1-related tumor predisposition. Also called: DICER1 syndrome; DICER1-related pleuropulmonary blastoma cancer predisposition syndrome. Identifiers: Orphanet 284343, MedGen C3839822, MONDO:0100216.

Allele frequency attached by ClinVar (database versions not stated): gnomAD exomes 0.00023; gnomAD 0.00113 and 0.00124; 1000 Genomes Project 30x 0.00125; TOPMed 0.00125; 1000 Genomes Project 0.00140.
gnomAD v4.1: 187 of 233,290 alleles (0.08%); highest among the groups gnomAD compares: African/African-American, 0.38%; no homozygotes.

Submission:

Illumina Laboratory Services, Illumina
Classification: Benign for Pleuropulmonary blastoma. Last evaluated: 2018-01-12. Review status: criteria provided, single submitter. Criteria: ICSL Variant Classification Criteria 13 December 2019. Collection method: clinical testing. Allele origin: germline.
Comment: This variant was observed in the ICSL laboratory as part of a predisposition screen in an ostensibly healthy population. It had not been previously curated by ICSL or reported in the Human Gene Mutation Database (HGMD: prior to June 1st, 2018), and was therefore a candidate for classification through an automated scoring system. Utilizing variant allele frequency, disease prevalence and penetrance estimates, and inheritance mode, an automated score was calculated to assess if this variant is too frequent to cause the disease. Based on the score and internal cut-off values, a variant classified as benign is not then subjected to further curation. The score for this variant resulted in a classification of benign for this disease.